The following is an entry in ClinVar:

ClinVar aggregate classification (germline): Uncertain significance (1 of 4 stars; one submission).

Conditions:
RYR1-related disorder. Also called: RYR1-related condition; RYR1-related disorders. Identifiers: MedGen CN239331.

Submission:

Labcorp Genetics (formerly Invitae), Labcorp
Classification: Uncertain significance for RYR1-related disorder. Last evaluated: 2025-02-03. Review status: criteria provided, single submitter. Criteria: Invitae Variant Classification Sherloc (09022015). Collection method: clinical testing. Allele origin: germline.
Comment: This sequence change replaces glutamic acid, which is acidic and polar, with alanine, which is neutral and non-polar, at codon 480 of the RYR1 protein (p.Glu480Ala). This variant is not present in population databases (gnomAD no frequency). This variant has not been reported in the literature in individuals affected with RYR1-related conditions. An algorithm developed to predict the effect of missense changes on protein structure and function (PolyPhen-2) suggests that this variant is likely to be disruptive. In summary, the available evidence is currently insufficient to determine the role of this variant in disease. Therefore, it has been classified as a Variant of Uncertain Significance.

NM_000540.3(RYR1):c.1439A>C (p.Glu480Ala)

Gene: RYR1 (ryanodine receptor 1; plus strand). Cytogenetic location: 19q13.2.
Variant type: single nucleotide variant.
Coding change: c.1439A>C on transcript NM_000540.3 (MANE Select); coding-DNA position 1439, A replaced by C.
Protein change: p.Glu480Ala; replaces glutamic acid 480 with alanine.
Molecular consequence: missense variant.
Genome position (GRCh38, 1-based): chr19:38,453,013, A>C. VCF-style: chr19-38453013-A-C. GRCh37 (hg19) VCF-style: chr19-38943653-A-C.
Other names: c.1439A>C, p.Glu480Ala (NM_001042723.2); short protein forms E480A.
Identifiers: ClinVar variation 3628614 (VCV003628614.2).